The following is an entry in ClinVar:

ClinVar aggregate classification (germline): Uncertain significance. Review status: criteria provided, multiple submitters, no conflicts (2 of 4 stars). 3 submissions from 3 submitters: Uncertain significance (3). Last evaluated 2023-07-19.

Conditions:
Inborn genetic diseases. Identifiers: MedGen C0950123, MeSH D030342.

Allele frequency attached by ClinVar (database versions not stated): ExAC 0.00007; TOPMed 0.00010; gnomAD 0.00011; gnomAD exomes 0.00011.
gnomAD v4.1: 179 of 1,610,874 alleles (0.011%); highest among the groups gnomAD compares: Non-Finnish European, 0.015%; no homozygotes.

Submissions (3):

Women's Health and Genetics/Laboratory Corporation of America, LabCorp
Classification: Uncertain significance. Last evaluated: 2023-07-19. Review status: criteria provided, single submitter. Criteria: LabCorp Variant Classification Summary - May 2015. Collection method: clinical testing. Allele origin: germline.
Comment: Variant summary: PDHX c.250G>A (p.Val84Met) results in a conservative amino acid change located in the biotin/lipoyl attachment domain (IPR000089) of the encoded protein sequence. Four of five in-silico tools predict a damaging effect of the variant on protein function. The variant allele was found at a frequency of 8e-05 in 251344 control chromosomes, predominantly at a frequency of 0.00017 within the Non-Finnish European subpopulation in the gnomAD database. This frequency is not significantly higher than estimated for a pathogenic variant in PDHX causing Pyruvate Dehydrogenase E3-Binding Protein Deficiency (0.00017 vs 0.0011), allowing no conclusion about variant significance. To our knowledge, no occurrence of c.250G>A in individuals affected with Pyruvate Dehydrogenase E3-Binding Protein Deficiency and no experimental evidence demonstrating its impact on protein function have been reported. Two submitters have cited clinical-significance assessments for this variant to ClinVar after 2014 and both classified the variant as uncertain significance. Based on the evidence outlined above, the variant was classified as uncertain significance.

GeneDx
Classification: Uncertain significance. Last evaluated: 2023-05-08. Review status: criteria provided, single submitter. Criteria: GeneDx Variant Classification Process June 2021. Collection method: clinical testing. Allele origin: germline. Affected: yes.
Comment: In silico analysis supports that this missense variant has a deleterious effect on protein structure/function; Has not been previously published as pathogenic or benign to our knowledge

Ambry Genetics
Classification: Uncertain significance for Inborn genetic diseases. Last evaluated: 2021-09-15. Review status: criteria provided, single submitter. Criteria: Ambry Variant Classification Scheme 2023. Collection method: clinical testing. Allele origin: germline.

NM_003477.3(PDHX):c.250G>A (p.Val84Met)

Gene: PDHX (pyruvate dehydrogenase complex component X; plus strand). Cytogenetic location: 11p13.
Variant type: single nucleotide variant.
Coding change: c.250G>A on transcript NM_003477.3 (MANE Select); coding-DNA position 250, G replaced by A.
Protein change: p.Val84Met; replaces valine 84 with methionine.
Molecular consequence: missense variant.
Genome position (GRCh38, 1-based): chr11:34,947,514, G>A. VCF-style: chr11-34947514-G-A. GRCh37 (hg19) VCF-style: chr11-34969061-G-A.
Other names: c.70G>A, p.Val24Met (NM_001135024.2); c.250G>A, p.Val84Met (NM_001166158.2); short protein forms V24M, V84M.
Identifiers: ClinVar variation 2360656 (VCV002360656.4), dbSNP rs200562821, ClinGen allele CA5945811.